The following is an entry in ClinVar:

ClinVar aggregate classification (germline): Uncertain significance. Review status: criteria provided, multiple submitters, no conflicts (2 of 4 stars). 2 submissions from 2 submitters: Uncertain significance (2). Last evaluated 2025-02-04.

Conditions:
Hereditary cancer-predisposing syndrome. Also called: Hereditary neoplastic syndrome; Neoplastic Syndromes, Hereditary; Tumor predisposition; Hereditary Cancer Syndrome. Identifiers: Orphanet 140162, MedGen C0027672, MeSH D009386, MONDO:0015356.
Tuberous sclerosis 2 (TSC2). Identifiers: Orphanet 805, MedGen C1860707, MONDO:0013199, OMIM 613254.

Submissions (2):

Ambry Genetics
Classification: Uncertain significance for Hereditary cancer-predisposing syndrome. Last evaluated: 2025-02-04. Review status: criteria provided, single submitter. Criteria: Ambry Variant Classification Scheme 2023. Collection method: clinical testing. Allele origin: germline.
Comment: The p.S1095G variant (also known as c.3283A>G), located in coding exon 27 of the TSC2 gene, results from an A to G substitution at nucleotide position 3283. The serine at codon 1095 is replaced by glycine, an amino acid with similar properties. This nucleotide position is well conserved in available vertebrate species. This amino acid position is well conserved in available vertebrate species. In silico splice site analysis predicts that this alteration will weaken the native splice donor site. RNA studies have demonstrated that this alteration results in an incomplete splice defect; the clinical impact of this abnormal splicing is unknown at this time (Ambry internal data). In addition, the in silico prediction for this variant as a missense alteration is inconclusive. Based on the available evidence, the clinical significance of this variant remains unclear.

Labcorp Genetics (formerly Invitae), Labcorp
Classification: Uncertain significance for Tuberous sclerosis 2. Last evaluated: 2022-12-16. Review status: criteria provided, single submitter. Criteria: Invitae Variant Classification Sherloc (09022015). Collection method: clinical testing. Allele origin: germline.
Comment: In summary, the available evidence is currently insufficient to determine the role of this variant in disease. Therefore, it has been classified as a Variant of Uncertain Significance. Algorithms developed to predict the effect of sequence changes on RNA splicing suggest that this variant may disrupt the consensus splice site. Algorithms developed to predict the effect of missense changes on protein structure and function (SIFT, PolyPhen-2, Align-GVGD) all suggest that this variant is likely to be tolerated. ClinVar contains an entry for this variant (Variation ID: 1039804). This variant has not been reported in the literature in individuals affected with TSC2-related conditions. This variant is not present in population databases (gnomAD no frequency). This sequence change replaces serine, which is neutral and polar, with glycine, which is neutral and non-polar, at codon 1095 of the TSC2 protein (p.Ser1095Gly).

NM_000548.5(TSC2):c.3283A>G (p.Ser1095Gly)

Gene: TSC2 (TSC complex subunit 2; plus strand). Cytogenetic location: 16p13.3.
Variant type: single nucleotide variant.
Coding change: c.3283A>G on transcript NM_000548.5 (MANE Select); coding-DNA position 3283, A replaced by G.
Protein change: p.Ser1095Gly; replaces serine 1095 with glycine.
Molecular consequence: missense variant.
Genome position (GRCh38, 1-based): chr16:2,079,427, A>G. VCF-style: chr16-2079427-A-G. GRCh37 (hg19) VCF-style: chr16-2129428-A-G.
Other names: c.3283A>G (NM_000548.3); c.2551A>G, p.Ser851Gly (NM_001318831.2); c.3184A>G, p.Ser1062Gly (NM_001318832.2); c.3154A>G, p.Ser1052Gly (NM_001363528.2, NM_001370405.1, NM_021055.3); c.3151A>G, p.Ser1051Gly (NM_001370404.1, NM_001077183.3); c.3283A>G, p.Ser1095Gly (NM_001114382.3); c.3043A>G, p.Ser1015Gly (NM_001318827.2); c.3007A>G, p.Ser1003Gly (NM_001318829.2); short protein forms S1003G, S851G, S1015G, S1062G, S1095G, S1052G, S1051G.
Identifiers: ClinVar variation 1039804 (VCV001039804.9), dbSNP rs2089847209, ClinGen allele CA394286314.